The following is an entry in ClinVar:

ClinVar aggregate classification (germline): Conflicting classifications of pathogenicity. Review status: criteria provided, conflicting classifications (1 of 4 stars). 2 submissions from 2 submitters: Uncertain significance (1); Likely benign (1). Last evaluated 2025-05-01.

Submissions (2):

CeGaT Center for Human Genetics Tuebingen
Classification: Uncertain significance. Last evaluated: 2025-05-01. Review status: criteria provided, single submitter. Criteria: CeGaT Center For Human Genetics Tuebingen Variant Classification Criteria Version 2. Collection method: clinical testing. Allele origin: germline. Affected: yes. Observed: 1 variant allele.
Comment: KMT2E: PP3, BP5

Labcorp Genetics (formerly Invitae), Labcorp
Classification: Likely benign. Last evaluated: 2025-04-27. Review status: criteria provided, single submitter. Criteria: Invitae Variant Classification Sherloc (09022015). Collection method: clinical testing. Allele origin: germline.

NM_182931.3(KMT2E):c.737G>A (p.Arg246His)

Gene: KMT2E (lysine methyltransferase 2E (inactive); plus strand). Cytogenetic location: 7q22.3.
Variant type: single nucleotide variant.
Coding change: c.737G>A on transcript NM_182931.3 (MANE Select); coding-DNA position 737, G replaced by A.
Protein change: p.Arg246His; replaces arginine 246 with histidine.
Molecular consequence: missense variant.
Genome position (GRCh38, 1-based): chr7:105,076,050, G>A. VCF-style: chr7-105076050-G-A. GRCh37 (hg19) VCF-style: chr7-104716497-G-A.
Other names: c.737G>A, p.Arg246His (NM_001410908.1, NM_018682.4); short protein forms R246H.
Identifiers: ClinVar variation 3709414 (VCV003709414.12).